The following is an entry in ClinVar:

ClinVar aggregate classification (germline): Uncertain significance (1 of 4 stars; one submission).

Conditions:
Hypertrophic cardiomyopathy. Also called: HYPERTROPHIC MYOCARDIOPATHY. Identifiers: Orphanet 217569, MedGen C0007194, MeSH D002312, MONDO:0005045, HP:0001639.

Allele frequency attached by ClinVar (database versions not stated): gnomAD exomes below 0.00001 and 0.00001; ExAC 0.00002.
gnomAD v4.1: 1 of 1,614,254 alleles (0.000062%); highest among the groups gnomAD compares: Admixed American, 0.0017%; no homozygotes.

Submission:

Labcorp Genetics (formerly Invitae), Labcorp
Classification: Uncertain significance for Hypertrophic cardiomyopathy. Last evaluated: 2025-09-14. Review status: criteria provided, single submitter. Criteria: Invitae Variant Classification Sherloc (09022015). Collection method: clinical testing. Allele origin: germline.
Comment: This sequence change replaces isoleucine, which is neutral and non-polar, with phenylalanine, which is neutral and non-polar, at codon 201 of the MYH7 protein (p.Ile201Phe). This variant is present in population databases (rs747136781, gnomAD 0.006%). This variant has not been reported in the literature in individuals affected with MYH7-related conditions. ClinVar contains an entry for this variant (Variation ID: 1473329). Invitae Evidence Modeling of protein sequence and biophysical properties (such as structural, functional, and spatial information, amino acid conservation, physicochemical variation, residue mobility, and thermodynamic stability) indicates that this missense variant is not expected to disrupt MYH7 protein function with a negative predictive value of 95%. This variant disrupts the p.Ile201 amino acid residue in MYH7. Other variant(s) that disrupt this residue have been determined to be pathogenic (PMID: 15769782, 27532257; internal data). This suggests that this residue is clinically significant, and that variants that disrupt this residue are likely to be disease-causing. In summary, the available evidence is currently insufficient to determine the role of this variant in disease. Therefore, it has been classified as a Variant of Uncertain Significance.

Literature cited by the submitters: PubMed 15769782; PubMed 27532257.

NM_000257.4(MYH7):c.601A>T (p.Ile201Phe)

Gene: MYH7 (myosin heavy chain 7; minus strand). Cytogenetic location: 14q11.2.
Variant type: single nucleotide variant.
Coding change: c.601A>T on transcript NM_000257.4 (MANE Select); coding-DNA position 601, A replaced by T.
Protein change: p.Ile201Phe; replaces isoleucine 201 with phenylalanine.
Molecular consequence: missense variant.
Genome position (GRCh38, 1-based): chr14:23,431,799, T>A on the plus strand (A>T on the coding strand, the complement: MYH7 is on the minus strand). VCF-style: chr14-23431799-T-A. GRCh37 (hg19) VCF-style: chr14-23901008-T-A.
Other names: short protein forms I201F.
Identifiers: ClinVar variation 1473329 (VCV001473329.8), dbSNP rs747136781, ClinGen allele CA048494.